The following is an entry in ClinVar:

ClinVar aggregate classification (germline): Benign. Review status: criteria provided, multiple submitters, no conflicts (2 of 4 stars). 3 submissions from 3 submitters: Benign (2). 1 of the submissions does not count toward it. Last evaluated 2019-12-31.

Conditions:
KALRN-related disorder. Also called: KALRN-related condition.

Allele frequency attached by ClinVar (database versions not stated): gnomAD exomes 0.00392; ExAC 0.00500; gnomAD 0.01432 and 0.01523; 1000 Genomes Project 0.01597; TOPMed 0.01682; 1000 Genomes Project 30x 0.01796; ESP Exome Variant Server 0.02038.
gnomAD v4.1: 4,319 of 1,614,152 alleles (0.27%); highest among the groups gnomAD compares: African/African-American, 5%; 92 homozygotes.

Submissions (3):

Labcorp Genetics (formerly Invitae), Labcorp
Classification: Benign. Last evaluated: 2019-12-31. Review status: criteria provided, single submitter. Criteria: Invitae Variant Classification Sherloc (09022015). Collection method: clinical testing. Allele origin: germline.

Breakthrough Genomics
Classification: Benign. Review status: criteria provided, single submitter. Criteria: ACMG Guidelines, 2015. Collection method: not provided. Allele origin: germline. Inheritance: Unknown mechanism. Affected: yes.

PreventionGenetics, part of Exact Sciences
Classification: Benign for KALRN-related condition. Last evaluated: 2019-09-30. Review status: no assertion criteria provided. Collection method: clinical testing. Allele origin: germline. Not counted in ClinVar's aggregate classification.
Comment: This variant is classified as benign based on ACMG/AMP sequence variant interpretation guidelines (Richards et al. 2015 PMID: 25741868, with internal and published modifications).

NM_001388419.1(KALRN):c.7446C>T (p.Cys2482=)

Gene: KALRN (kalirin RhoGEF kinase; plus strand). Cytogenetic location: 3q21.2.
Variant type: single nucleotide variant.
Coding change: c.7446C>T on transcript NM_001388419.1 (MANE Select); coding-DNA position 7446, C replaced by T.
Protein change: p.Cys2482=; no amino-acid change (cysteine 2482 retained).
Molecular consequence: synonymous variant.
Genome position (GRCh38, 1-based): chr3:124,694,372, C>T. VCF-style: chr3-124694372-C-T. GRCh37 (hg19) VCF-style: chr3-124413219-C-T.
Other names: c.7446C>T, p.Cys2482= (NM_001024660.5); c.2352C>T, p.Cys784= (NM_001322993.2); c.2355C>T, p.Cys785= (NM_007064.5).
Identifiers: ClinVar variation 775901 (VCV000775901.7), dbSNP rs333282, ClinGen allele CA2581181.
Genomic context (GRCh38, chr3:124,694,372, plus strand): 5'-GTATGTTGATTTGATCACAGTGGCCCCAGAATTCCTTGTGCCCTTGGTGGATGTGACCTG[C>T]TTGCTTGGGGACACAGTGATACTGCAGTGCAAAGTCTGTGGGCGGCCAAAGCCCACCATC-3'
Protein context (NP_001375348.1, residues 2472-2492): EFLVPLVDVT[Cys2482=]LLGDTVILQC